The following is an entry in ClinVar:

NM_001372.4(DNAH9):c.11195_11198del (p.Asp3732fs)

Gene: DNAH9 (dynein axonemal heavy chain 9; plus strand). Cytogenetic location: 17p12.
Variant type: Deletion.
Coding change: c.11195_11198del on transcript NM_001372.4 (MANE Select); coding-DNA positions 11195 to 11198, 4 bases deleted (ACAG; older notation c.11195_11198delACAG).
Protein change: p.Asp3732fs; shifts the reading frame from aspartic acid 3732.
Molecular consequence: frameshift variant.
Genome position (GRCh38, 1-based): chr17:11,891,859-11,891,862, ACAG deleted; deleting any 4 consecutive bases within chr17:11,891,857-11,891,862 gives the same sequence; the c. name uses the placement nearest the transcript's 3' end. VCF-style (leftmost placement, unchanged base first): chr17-11891856-TAGAC-T. GRCh37 (hg19) VCF-style: chr17-11795173-TAGAC-T.
Other names: c.131_134del, p.Asp44fs (NM_004662.2); short protein forms D3732fs, D44fs.
Identifiers: ClinVar variation 987377 (VCV000987377.4), dbSNP rs1567880135, ClinGen allele CA625311047.

ClinVar aggregate classification (germline): Pathogenic/Likely pathogenic. Review status: criteria provided, multiple submitters, no conflicts (2 of 4 stars). 2 submissions from 2 submitters: Pathogenic (1); Likely pathogenic (1). Last evaluated 2024-02-07.

Submissions (2):

Labcorp Genetics (formerly Invitae), Labcorp
Classification: Pathogenic. Last evaluated: 2024-02-07. Review status: criteria provided, single submitter. Criteria: Invitae Variant Classification Sherloc (09022015). Collection method: clinical testing. Allele origin: germline.
Comment: This sequence change creates a premature translational stop signal (p.Asp3732Alafs*2) in the DNAH9 gene. It is expected to result in an absent or disrupted protein product. Loss-of-function variants in DNAH9 are known to be pathogenic (PMID: 30471718). This variant is present in population databases (no rsID available, gnomAD 0.003%). This variant has not been reported in the literature in individuals affected with DNAH9-related conditions. ClinVar contains an entry for this variant (Variation ID: 987377). For these reasons, this variant has been classified as Pathogenic.

Institute of Medical Genetics and Applied Genomics, University Hospital Tübingen
Classification: Likely pathogenic. Last evaluated: 2020-10-23. Review status: criteria provided, single submitter. Criteria: ACMG Guidelines, 2015. Collection method: clinical testing. Allele origin: germline. Inheritance: Autosomal dominant inheritance. Affected: yes.

Literature cited by the submitters: PubMed 30471718 (cited by Labcorp Genetics (formerly Invitae), Labcorp).